The following is an entry in ClinVar:

ClinVar aggregate classification (germline): Uncertain significance (1 of 4 stars; one submission).

Submission:

GeneDx
Classification: Uncertain significance. Last evaluated: 2025-07-06. Review status: criteria provided, single submitter. Criteria: GeneDx Variant Classification Process June 2021. Collection method: clinical testing. Allele origin: germline. Affected: yes.
Comment: Not observed at significant frequency in large population cohorts (gnomAD); In silico analysis supports that this missense variant has a deleterious effect on protein structure/function; Has not been previously published as pathogenic or benign to our knowledge; This substitution is predicted to be within the N-terminal cytoplasmic domain

NM_001330260.2(SCN8A):c.206A>G (p.Tyr69Cys)

Genes: SCN8A (sodium voltage-gated channel alpha subunit 8; plus strand), LOC114803470 (SCN8A eExon liver enhancer; plus strand). Cytogenetic location: 12q13.13.
Variant type: single nucleotide variant.
Coding change: c.206A>G on transcript NM_001330260.2 (MANE Select); coding-DNA position 206, A replaced by G.
Protein change: p.Tyr69Cys; replaces tyrosine 69 with cysteine.
Molecular consequence: missense variant.
Genome position (GRCh38, 1-based): chr12:51,663,023, A>G. VCF-style: chr12-51663023-A-G. GRCh37 (hg19) VCF-style: chr12-52056807-A-G.
Other names: c.206A>G, p.Tyr69Cys (NM_001177984.3, NM_001369788.1, NM_014191.4); short protein forms Y69C.
Identifiers: ClinVar variation 3371018 (VCV003371018.2).
Genomic context (GRCh38, chr12:51,663,023, plus strand): 5'-AGGACAGCAAGCCCAAGCCAAACAGCGACCTGGAAGCAGGGAAGAGTTTGCCTTTCATCT[A>G]CGGGGACATCCCCCAAGGCCTGGTTGCAGTTCCCCTGGAGGACTTTGACCCATACTATTT-3'
Protein context (NP_001317189.1, residues 59-79): LEAGKSLPFI[Tyr69Cys]GDIPQGLVAV